The following is an entry in ClinVar:

ClinVar aggregate classification (germline): Pathogenic (1 of 4 stars; one submission).

Conditions:
Neurofibromatosis, type 1 (NF1). Also called: Neurofibromatosis, type I; Peripheral type neurofibromatosis; VON RECKLINGHAUSEN DISEASE; NEUROFIBROMATOSIS, TYPE I, SOMATIC. Identifiers: Orphanet 636, MedGen C0027831, MONDO:0018975, OMIM 162200. Disease mechanism: loss of function.

Submission:

Labcorp Genetics (formerly Invitae), Labcorp
Classification: Pathogenic for Neurofibromatosis, type 1. Last evaluated: 2019-10-21. Review status: criteria provided, single submitter. Criteria: Invitae Variant Classification Sherloc (09022015). Collection method: clinical testing. Allele origin: germline.
Comment: This sequence change creates a premature translational stop signal (p.Ser536Thrfs*21) in the NF1 gene. It is expected to result in an absent or disrupted protein product. This variant is not present in population databases (ExAC no frequency). This variant has not been reported in the literature in individuals with NF1-related conditions. Algorithms developed to predict the effect of sequence changes on RNA splicing suggest that this variant may create or strengthen a splice site, but this prediction has not been confirmed by published transcriptional studies. Loss-of-function variants in NF1 are known to be pathogenic (PMID: 10712197, 23913538). For these reasons, this variant has been classified as Pathogenic.

NM_001042492.3(NF1):c.1606_1607del (p.Ser536fs)

Gene: NF1 (neurofibromin 1; plus strand). Cytogenetic location: 17q11.2.
Variant type: Deletion.
Coding change: c.1606_1607del on transcript NM_001042492.3 (MANE Select); coding-DNA positions 1606 to 1607, 2 bases deleted (TC; older notation c.1606_1607delTC).
Protein change: p.Ser536fs; shifts the reading frame from serine 536.
Molecular consequence: frameshift variant.
Genome position (GRCh38, 1-based): chr17:31,219,083-31,219,084, TC deleted. VCF-style (leftmost placement, unchanged base first): chr17-31219082-GTC-G. GRCh37 (hg19) VCF-style: chr17-29546100-GTC-G.
Other names: c.1606_1607delTC, p.Ser536Thrfs (NM_000267.4); c.1606_1607del, p.Ser536fs (NM_001128147.3); short protein forms S536fs.
Identifiers: ClinVar variation 965281 (VCV000965281.1), dbSNP rs2066876397, ClinGen allele CA1139665405.